The following is an entry in ClinVar:

ClinVar aggregate classification (germline): Uncertain significance (1 of 4 stars; one submission).

Allele frequency attached by ClinVar (database versions not stated): gnomAD 0.00001 and 0.00002; gnomAD exomes 0.00001; ExAC 0.00002; TOPMed 0.00002; ESP Exome Variant Server 0.00008.
gnomAD v4.1: 21 of 1,611,814 alleles (0.0013%); highest among the groups gnomAD compares: Non-Finnish European, 0.0018%; no homozygotes.

Submission:

Labcorp Genetics (formerly Invitae), Labcorp
Classification: Uncertain significance. Last evaluated: 2022-08-15. Review status: criteria provided, single submitter. Criteria: Invitae Variant Classification Sherloc (09022015). Collection method: clinical testing. Allele origin: germline.
Comment: In summary, the available evidence is currently insufficient to determine the role of this variant in disease. Therefore, it has been classified as a Variant of Uncertain Significance. Algorithms developed to predict the effect of missense changes on protein structure and function are either unavailable or do not agree on the potential impact of this missense change (SIFT: "Tolerated"; PolyPhen-2: "Possibly Damaging"; Align-GVGD: "Class C0"). ClinVar contains an entry for this variant (Variation ID: 1346679). This variant has not been reported in the literature in individuals affected with TRRAP-related conditions. This variant is present in population databases (rs146801443, gnomAD 0.002%). This sequence change replaces proline, which is neutral and non-polar, with threonine, which is neutral and polar, at codon 488 of the TRRAP protein (p.Pro488Thr).

NM_001375524.1(TRRAP):c.1462C>A (p.Pro488Thr)

Gene: TRRAP (transformation/transcription domain associated protein; plus strand). Cytogenetic location: 7q22.1.
Variant type: single nucleotide variant.
Coding change: c.1462C>A on transcript NM_001375524.1 (MANE Select); coding-DNA position 1462, C replaced by A.
Protein change: p.Pro488Thr; replaces proline 488 with threonine.
Molecular consequence: missense variant.
Genome position (GRCh38, 1-based): chr7:98,910,167, C>A. VCF-style: chr7-98910167-C-A. GRCh37 (hg19) VCF-style: chr7-98507790-C-A.
Other names: c.1462C>A, p.Pro488Thr (NM_001244580.2, NM_003496.4); short protein forms P488T.
Identifiers: ClinVar variation 1346679 (VCV001346679.6), dbSNP rs146801443, ClinGen allele CA4359520.